The following is an entry in ClinVar:

NM_000038.6(APC):c.5039A>G (p.Gln1680Arg)

Gene: APC (APC regulator of Wnt signaling pathway; plus strand). Cytogenetic location: 5q22.2.
Variant type: single nucleotide variant.
Coding change: c.5039A>G on transcript NM_000038.6 (MANE Select); coding-DNA position 5039, A replaced by G.
Protein change: p.Gln1680Arg; replaces glutamine 1680 with arginine.
Molecular consequence: missense variant. On other transcripts: non-coding transcript variant (2).
Genome position (GRCh38, 1-based): chr5:112,840,633, A>G. VCF-style: chr5-112840633-A-G. GRCh37 (hg19) VCF-style: chr5-112176330-A-G.
Other names: c.5039A>G, p.Gln1680Arg (NM_001127510.3, NM_001354895.2, NM_001407450.1); c.4985A>G, p.Gln1662Arg (NM_001127511.3); c.5093A>G, p.Gln1698Arg (NM_001354896.2, NM_001407447.1, NM_001407448.1 and 1 more transcripts); c.5069A>G, p.Gln1690Arg (NM_001354897.2); c.4964A>G, p.Gln1655Arg (NM_001354898.2); c.4955A>G, p.Gln1652Arg (NM_001354899.2); c.4916A>G, p.Gln1639Arg (NM_001354900.2); c.4862A>G, p.Gln1621Arg (NM_001354901.2, NM_001407453.1); and 11 more; short protein forms Q1579R, Q1662R, Q1680R, Q1296R, Q1597R, Q1652R, Q1670R, Q1673R.
Identifiers: ClinVar variation 3929804 (VCV003929804.1).

ClinVar aggregate classification (germline): Uncertain significance (1 of 4 stars; one submission).

Conditions:
Hereditary cancer-predisposing syndrome. Also called: Hereditary Cancer Syndrome; Hereditary neoplastic syndrome; Neoplastic Syndromes, Hereditary; Tumor predisposition. Identifiers: Orphanet 140162, MedGen C0027672, MeSH D009386, MONDO:0015356.

Submission:

Ambry Genetics
Classification: Uncertain significance for Hereditary cancer-predisposing syndrome. Last evaluated: 2025-05-31. Review status: criteria provided, single submitter. Criteria: Ambry Variant Classification Scheme 2023. Collection method: clinical testing. Allele origin: germline.
Comment: The p.Q1680R variant (also known as c.5039A>G), located in coding exon 15 of the APC gene, results from an A to G substitution at nucleotide position 5039. The glutamine at codon 1680 is replaced by arginine, an amino acid with highly similar properties. This amino acid position is conserved. In addition, in silico predictors for this gene do not accurately predict pathogenicity. Based on the available evidence, the clinical significance of this variant remains unclear.